The following is an entry in ClinVar:

NM_194454.3(KRIT1):c.1474dup (p.Ala492fs)

Gene: KRIT1 (KRIT1 ankyrin repeat containing; minus strand). Cytogenetic location: 7q21.2.
Variant type: Duplication.
Coding change: c.1474dup on transcript NM_194454.3 (MANE Select); coding-DNA position 1474, one base duplicated (G; older notation c.1474dupG).
Protein change: p.Ala492fs; shifts the reading frame from alanine 492.
Molecular consequence: frameshift variant.
Genome position (GRCh38, 1-based): chr7:92,221,991, C duplicated on the plus strand (G on the coding strand, the reverse complement: KRIT1 is on the minus strand). VCF-style (leftmost placement, unchanged base first): chr7-92221990-G-GC. GRCh37 (hg19) VCF-style: chr7-91851304-G-GC.
Other names: c.1474dupG (NM_194456.1); c.1330dup, p.Ala444fs (NM_001013406.2, NM_001350669.1, NM_001350670.1); c.760dup, p.Ala254fs (NM_001350671.1); c.1474dup, p.Ala492fs (NM_001350672.1, NM_001350673.1, NM_001350674.1 and 26 more transcripts); short protein forms A444fs, A254fs, A492fs.
Identifiers: ClinVar variation 524104 (VCV000524104.2), dbSNP rs1554512816, ClinGen allele CA658796965.

ClinVar aggregate classification (germline): Likely pathogenic (1 of 4 stars; one submission).

Submission:

GeneDx
Classification: Likely pathogenic. Last evaluated: 2018-04-27. Review status: criteria provided, single submitter. Criteria: GeneDx Variant Classification (06012015). Collection method: clinical testing. Allele origin: germline. Affected: yes.
Comment: The c.1474dupG variant has not been reported previously as a pathogenic variant nor as a benign variant, to our knowledge. The c.1474dupG variant causes a frameshift starting with codon Alanine 492, changes this amino acid to a Glycine residue, and creates a premature Stop codon at position 2 of the new reading frame, denoted p.Ala492GlyfsX2. This variant is predicted to cause loss of normal protein function either through protein truncation or nonsense-mediated mRNA decay. The c.1474dupG variant is not observed in large population cohorts (Lek et al., 2016).